The following is an entry in ClinVar:

NC_000020.11:g.(?_63406624)_(63528152_?)del

Genes: EEF1A2 (eukaryotic translation elongation factor 1 alpha 2; minus strand), KCNQ2 (potassium voltage-gated channel subfamily Q member 2; minus strand), PPDPF (pancreatic progenitor cell differentiation and proliferation factor; plus strand). Cytogenetic location: 20q13.33.
Variant type: Deletion.
Identifiers: ClinVar variation 833079 (VCV000833079.2).

ClinVar aggregate classification (germline): Pathogenic (1 of 4 stars; one submission).

Conditions:
Developmental and epileptic encephalopathy. Identifiers: MedGen C5779964, MONDO:0100620.

Submission:

Labcorp Genetics (formerly Invitae), Labcorp
Classification: Pathogenic for Early infantile epileptic encephalopathy with suppression bursts. Last evaluated: 2019-12-30. Review status: criteria provided, single submitter. Criteria: Invitae Variant Classification Sherloc (09022015). Collection method: clinical testing. Allele origin: germline.
Comment: A gross deletion of the genomic region encompassing the full coding sequence of the KCNQ2 gene has been identified. The boundaries of this event are unknown as the deletion extends beyond the assayed region for this gene and therefore may encompass additional genes. Isolated whole-gene deletions of KCNQ2 have not been reported in the literature. However, larger copy number events that include this gene have been reported in individuals affected with epilepsy and benign neonatal seizures (PMID: 24811917, 23360469, 19822871, 29215089, 25052858). Loss-of-function variants in KCNQ2 are known to be pathogenic (PMID: 14534157, 23692823, 25951140, 25959266, 26758118, 27779742). For these reasons, this variant has been classified as Pathogenic.

Literature cited by the submitters: PubMed 25052858; PubMed 23360469; PubMed 19822871; PubMed 24811917; PubMed 29215089.